The following is an entry in ClinVar:

ClinVar aggregate classification (germline): Conflicting classifications of pathogenicity. Review status: criteria provided, conflicting classifications (1 of 4 stars). 2 submissions from 2 submitters: Uncertain significance (1); Likely benign (1). Last evaluated 2025-04-18.

Conditions:
ATXN7-related disorder. Also called: ATXN7-related condition.
Inborn genetic diseases. Identifiers: MedGen C0950123, MeSH D030342.

Allele frequency attached by ClinVar (database versions not stated): ESP Exome Variant Server 0.00023; gnomAD exomes 0.00027; TOPMed 0.00028; gnomAD 0.00029; 1000 Genomes Project 30x 0.00031; ExAC 0.00038; 1000 Genomes Project 0.00040.
gnomAD v4.1: 448 of 1,614,190 alleles (0.028%); highest among the groups gnomAD compares: Middle Eastern, 0.13%; no homozygotes.

Submissions (3):

PreventionGenetics, part of Exact Sciences
Classification: Likely benign for ATXN7-related condition. Last evaluated: 2025-04-18. Review status: criteria provided, single submitter. Criteria: ACMG Guidelines, 2015. Collection method: clinical testing. Allele origin: germline.
Comment: This variant is classified as likely benign based on ACMG/AMP sequence variant interpretation guidelines (Richards et al. 2015 PMID: 25741868, with internal and published modifications).

Ambry Genetics
Classification: Uncertain significance for Inborn genetic diseases. Last evaluated: 2025-03-26. Review status: criteria provided, single submitter. Criteria: Ambry Variant Classification Scheme 2023. Collection method: clinical testing. Allele origin: germline.

Dr. Peter K. Rogan Lab, Western University
No classification provided (evidence only). Condition: Lung cancer. Review status: no classification provided. Collection method: in vitro. Allele origin: not applicable. Functional consequence: retained intron. Not counted in ClinVar's aggregate classification.

NM_001377405.1(ATXN7):c.1901C>T (p.Ala634Val)

Gene: ATXN7 (ataxin 7; plus strand). Cytogenetic location: 3p14.1.
Variant type: single nucleotide variant.
Coding change: c.1901C>T on transcript NM_001377405.1 (MANE Select); coding-DNA position 1901, C replaced by T.
Protein change: p.Ala634Val; replaces alanine 634 with valine.
Molecular consequence: missense variant.
Genome position (GRCh38, 1-based): chr3:63,995,723, C>T. VCF-style: chr3-63995723-C-T. GRCh37 (hg19) VCF-style: chr3-63981399-C-T.
Other names: NC_000003.11:g.63981399C>T; c.1901C>T, p.Ala634Val (NM_000333.4, NM_001177387.1, NM_001377406.1); c.1466C>T, p.Ala489Val (NM_001128149.3); short protein forms A489V, A634V.
Identifiers: ClinVar variation 3132268 (VCV003132268.4), dbSNP rs138640161, ClinGen allele CA2478708.